The following is an entry in ClinVar:

ClinVar aggregate classification (germline): Uncertain significance (1 of 4 stars; one submission).

Submission:

CeGaT Center for Human Genetics Tuebingen
Classification: Uncertain significance. Last evaluated: 2024-05-01. Review status: criteria provided, single submitter. Criteria: CeGaT Center For Human Genetics Tuebingen Variant Classification Criteria Version 2. Collection method: clinical testing. Allele origin: germline. Affected: yes. Observed: 1 variant allele.
Comment: SPG7: PM2, PP3

NM_003119.4(SPG7):c.421C>T (p.Arg141Trp)

Gene: SPG7 (SPG7 matrix AAA peptidase subunit, paraplegin; plus strand). Cytogenetic location: 16q24.3.
Variant type: single nucleotide variant.
Coding change: c.421C>T on transcript NM_003119.4 (MANE Select); coding-DNA position 421, C replaced by T.
Protein change: p.Arg141Trp; replaces arginine 141 with tryptophan.
Molecular consequence: missense variant.
Genome position (GRCh38, 1-based): chr16:89,524,050, C>T. VCF-style: chr16-89524050-C-T. GRCh37 (hg19) VCF-style: chr16-89590458-C-T.
Other names: c.421C>T, p.Arg141Trp (NM_199367.3, NM_001363850.1); short protein forms R141W.
Identifiers: ClinVar variation 3239180 (VCV003239180.19), dbSNP rs2543723508.